The following is an entry in ClinVar:

ClinVar aggregate classification (germline): Pathogenic/Likely pathogenic. Review status: criteria provided, multiple submitters, no conflicts (2 of 4 stars). 9 submissions from 9 submitters: Pathogenic (3); Likely pathogenic (4). 2 of the submissions do not count toward it. Last evaluated 2025-11-15.

Conditions:
ABCA4-related disorder. Also called: ABCA4-related condition; ABCA4-related disorders. Identifiers: MedGen CN239167.
Retinal dystrophy. Also called: Inherited retinal dystrophy. Identifiers: Orphanet 71862, MedGen C0854723, MeSH D058499, MONDO:0019118, HP:0000556.
Severe early-childhood-onset retinal dystrophy (STGD1). Also called: MACULAR DYSTROPHY WITH FLECKS, TYPE 1; STGD; Stargardt macular dystrophy; Juvenile onset macular degeneration; Stargardt disease 1. Identifiers: Orphanet 364055, Orphanet 827, MedGen C1855465, MeSH D000080362, MONDO:0009549, OMIM 248200.
Cone-rod dystrophy 3 (CORD3). Identifiers: Orphanet 1872, MedGen C1858806, MONDO:0011395, OMIM 604116.
Age related macular degeneration 2. Also called: MACULAR DEGENERATION, SENILE; MACULOPATHY, AGE-RELATED, 2; MACULOPATHY, AGE-RELATED. Identifiers: MedGen C3495438, MONDO:0007932, OMIM 153800.
Retinitis pigmentosa 19 (RP19). Also called: ABCA4-Related Retinitis Pigmentosa. Identifiers: Orphanet 791, MedGen C1866422, MONDO:0011137, OMIM 601718.

Allele frequency attached by ClinVar (database versions not stated): gnomAD 0.00001; gnomAD exomes 0.00001; TOPMed 0.00002.
gnomAD v4.1: 14 of 1,613,824 alleles (0.00087%); highest among the groups gnomAD compares: African/African-American, 0.0027%; no homozygotes.

Submissions (9):

Labcorp Genetics (formerly Invitae), Labcorp
Classification: Pathogenic. Last evaluated: 2025-11-15. Review status: criteria provided, single submitter. Criteria: Invitae Variant Classification Sherloc (09022015). Collection method: clinical testing. Allele origin: germline.
Comment: This sequence change replaces arginine, which is basic and polar, with cysteine, which is neutral and slightly polar, at codon 220 of the ABCA4 protein (p.Arg220Cys). This variant is present in population databases (rs61748538, gnomAD 0.007%). This missense change has been observed in individual(s) with Stargardt disease (PMID: 29854428, 29925512, 30093795). ClinVar contains an entry for this variant (Variation ID: 99471). Invitae Evidence Modeling of protein sequence and biophysical properties (such as structural, functional, and spatial information, amino acid conservation, physicochemical variation, residue mobility, and thermodynamic stability) indicates that this missense variant is expected to disrupt ABCA4 protein function with a positive predictive value of 95%. For these reasons, this variant has been classified as Pathogenic.

Blueprint Genetics
Classification: Pathogenic for ABCA4-related disorders. Last evaluated: 2024-04-10. Review status: criteria provided, single submitter. Criteria: ACMG Guidelines, 2015. Collection method: clinical testing. Allele origin: germline. Affected: yes. Observed: 5 variant alleles.

Fulgent Genetics
Classification: Likely pathogenic for Age related macular degeneration 2; Severe early-childhood-onset retinal dystrophy; Retinitis pigmentosa 19; Cone-rod dystrophy 3. Last evaluated: 2021-08-15. Review status: criteria provided, single submitter. Criteria: ACMG Guidelines, 2015. Collection method: clinical testing. Allele origin: unknown.

CeGaT Center for Human Genetics Tuebingen
Classification: Likely pathogenic. Last evaluated: 2021-07-01. Review status: criteria provided, single submitter. Criteria: CeGaT Center For Human Genetics Tuebingen Variant Classification Criteria Version 2. Collection method: clinical testing. Allele origin: germline. Affected: yes. Observed: 1 variant allele.

Victorian Clinical Genetics Services, Murdoch Childrens Research Institute
Classification: Pathogenic for Severe early-childhood-onset retinal dystrophy. Last evaluated: 2021-05-06. Review status: criteria provided, single submitter. Criteria: ACMG Guidelines, 2015. Collection method: clinical testing. Allele origin: germline. Inheritance: Autosomal recessive inheritance. Affected: yes.
Comment: Based on the classification scheme VCGS_Germline_v1.3.4, this variant is classified as Pathogenic. Following criteria are met: 0102 - Loss of function is a known mechanism of disease in this gene and is associated with ABCA4-related disorders, including Stargardt disease 1 (MIM#248200). (I) 0106 - This gene is associated with autosomal recessive disease. However, pseudo-dominant inheritance has been suggested (PMID: 26527198). (I) 0115 - Variants in this gene are known to have variable expressivity (PMID: 31522899). (I) 0200 - Variant is predicted to result in a missense amino acid change from arginine to cysteine. (I) 0251 - This variant is heterozygous. (I) 0304 - Variant is present in gnomAD <0.01 for a recessive condition (v2: 2 heterozygotes, 0 homozygotes). (SP) 0309 - An alternative amino acid change at the same position has been observed in gnomAD (v2) (6 heterozygotes, 0 homozygotes). (I) 0502 - Missense variant with conflicting in silico predictions and uninformative conservation. (I) 0604 - Variant is not located in an established domain, motif, hotspot or informative constraint region. (I) 0705 - No comparable missense variants have previous evidence for pathogenicity. (I) 0801 - This variant has strong previous evidence of pathogenicity in unrelated individuals. It has been reported in homozygote and compound heterozygote individuals with Stargardt disease (PMIDs: 19074458, 23953153, 25066811, 28041643, 29854428, 30093795), and in individuals with unstated zygosity (ClinVar; PMIDs: 24154662, 11328725). (SP) 0905 - No published segregation evidence has been identified for this variant. (I) 1007 - No published functional evidence has been identified for this variant. (I) 1208 - Inheritance information for this variant is not currently available in this individual. (I) Legend: (SP) - Supporting pathogenic, (I) - Information, (SB) - Supporting benign

Institute of Human Genetics, Univ. Regensburg, Univ. Regensburg
Classification: Likely pathogenic for Retinal dystrophy. Last evaluated: 2017-01-01. Review status: criteria provided, single submitter. Criteria: ACMG Guidelines, 2015. Collection method: clinical testing. Allele origin: germline. Affected: yes.

Juno Genomics, Hangzhou Juno Genomics, Inc
Classification: Likely pathogenic for Age related macular degeneration 2; Cone-rod dystrophy 3; Severe early-childhood-onset retinal dystrophy; Retinitis pigmentosa 19. Review status: criteria provided, single submitter. Criteria: ACMG Guidelines, 2015. Collection method: clinical testing. Allele origin: germline. Affected: yes.
Comment: Absent from controls (or at extremely low frequency if recessive) in Genome Aggregation Database, Exome Sequencing Project, 1000 Genomes Project, or Exome Aggregation Consortium.;For recessive disorders, detected in trans with a pathogenic variant.;Patient's phenotype or family history is highly specific for a disease with a single genetic etiology.

NIHR Bioresource Rare Diseases, University of Cambridge
Classification: Likely pathogenic for Retinal dystrophy. Last evaluated: 2015-01-01. Review status: no assertion criteria provided. Collection method: research. Allele origin: unknown. Affected: yes. Observed: 1 variant allele. Not counted in ClinVar's aggregate classification.

Retina International
No classification provided. Review status: no classification provided. Collection method: not provided. Allele origin: not provided. Not counted in ClinVar's aggregate classification.

Literature cited by the submitters: PubMed 29854428 (cited by Labcorp Genetics (formerly Invitae), Labcorp and Victorian Clinical Genetics Services, Murdoch Childrens Research Institute); PubMed 29925512 (cited by Labcorp Genetics (formerly Invitae), Labcorp and Institute of Human Genetics, Univ. Regensburg, Univ. Regensburg); PubMed 30093795 (cited by 3 submitters); PubMed 11328725 (cited by 3 submitters); PubMed 19074458 (cited by Victorian Clinical Genetics Services, Murdoch Childrens Research Institute); PubMed 23953153 (cited by Victorian Clinical Genetics Services, Murdoch Childrens Research Institute); PubMed 24154662 (cited by Victorian Clinical Genetics Services, Murdoch Childrens Research Institute); PubMed 25066811 (cited by Victorian Clinical Genetics Services, Murdoch Childrens Research Institute); PubMed 26527198 (cited by Victorian Clinical Genetics Services, Murdoch Childrens Research Institute); PubMed 28041643 (cited by 3 submitters); PubMed 31522899 (cited by Victorian Clinical Genetics Services, Murdoch Childrens Research Institute); PubMed 31589614 (cited by Institute of Human Genetics, Univ. Regensburg, Univ. Regensburg); PubMed 31964843 (cited by Institute of Human Genetics, Univ. Regensburg, Univ. Regensburg); PubMed 32307445 (cited by Institute of Human Genetics, Univ. Regensburg, Univ. Regensburg); PubMed 32581362 (cited by Institute of Human Genetics, Univ. Regensburg, Univ. Regensburg).

NM_000350.3(ABCA4):c.658C>T (p.Arg220Cys)

Gene: ABCA4 (ATP binding cassette subfamily A member 4; minus strand). Cytogenetic location: 1p22.1.
Variant type: single nucleotide variant.
Coding change: c.658C>T on transcript NM_000350.3 (MANE Select); coding-DNA position 658, C replaced by T.
Protein change: p.Arg220Cys; replaces arginine 220 with cysteine.
Molecular consequence: missense variant.
Genome position (GRCh38, 1-based): chr1:94,098,904, G>A on the plus strand (C>T on the coding strand, the complement: ABCA4 is on the minus strand). VCF-style: chr1-94098904-G-A. GRCh37 (hg19) VCF-style: chr1-94564460-G-A.
Other names: c.658C>T, p.Arg220Cys (NM_001425324.1); short protein forms R220C.
Identifiers: ClinVar variation 99471 (VCV000099471.50), dbSNP rs61748538, ClinGen allele CA227420.
Genomic context (GRCh38, chr1:94,098,904, plus strand): 5'-TCCACTGTAGGGTGCCCTGGGAGAGGGAGCACAGGGCATAGCGCACCGTCTTTGCCCCGC[G>A]TCTCTGGCTGAAGATGATGAAGCGCTCCAGGAGGGCCTCGCTGCAGGCGATGTCCTTCAG-3'
Protein context (NP_000341.2, residues 210-230): LERFIIFSQR[Arg220Cys]GAKTVRYALC